The following is an entry in ClinVar:

ClinVar aggregate classification (germline): Uncertain significance (1 of 4 stars; one submission).

gnomAD v4.1: 2 of 1,609,686 alleles (0.00012%); highest among the groups gnomAD compares: Middle Eastern, 0.017%; no homozygotes.

Submission:

Labcorp Genetics (formerly Invitae), Labcorp
Classification: Uncertain significance. Last evaluated: 2022-05-14. Review status: criteria provided, single submitter. Criteria: Invitae Variant Classification Sherloc (09022015). Collection method: clinical testing. Allele origin: germline.
Comment: In summary, the available evidence is currently insufficient to determine the role of this variant in disease. Therefore, it has been classified as a Variant of Uncertain Significance. Algorithms developed to predict the effect of missense changes on protein structure and function are either unavailable or do not agree on the potential impact of this missense change (SIFT: "Deleterious"; PolyPhen-2: "Possibly Damaging"; Align-GVGD: "Class C0"). This variant has not been reported in the literature in individuals affected with TGFB1-related conditions. This variant is not present in population databases (gnomAD no frequency). This sequence change replaces aspartic acid, which is acidic and polar, with histidine, which is basic and polar, at codon 86 of the TGFB1 protein (p.Asp86His).

NM_000660.7(TGFB1):c.256G>C (p.Asp86His)

Genes: TGFB1 (transforming growth factor beta 1; minus strand), LOC130064510 (ATAC-STARR-seq lymphoblastoid silent region 10661; plus strand). Cytogenetic location: 19q13.2.
Variant type: single nucleotide variant.
Coding change: c.256G>C on transcript NM_000660.7 (MANE Select); coding-DNA position 256, G replaced by C.
Protein change: p.Asp86His; replaces aspartic acid 86 with histidine.
Molecular consequence: missense variant.
Genome position (GRCh38, 1-based): chr19:41,352,789, C>G on the plus strand (G>C on the coding strand, the complement: TGFB1 is on the minus strand). VCF-style: chr19-41352789-C-G. GRCh37 (hg19) VCF-style: chr19-41858694-C-G.
Other names: short protein forms D86H.
Identifiers: ClinVar variation 1977896 (VCV001977896.5), dbSNP rs201155269, ClinGen allele CA406005223.